The following is an entry in ClinVar:

NM_138927.4(SON):c.976A>G (p.Met326Val)

Gene: SON (SON DNA and RNA binding protein; plus strand). Cytogenetic location: 21q22.11.
Variant type: single nucleotide variant.
Coding change: c.976A>G on transcript NM_138927.4 (MANE Select); coding-DNA position 976, A replaced by G.
Protein change: p.Met326Val; replaces methionine 326 with valine.
Molecular consequence: missense variant. On other transcripts: non-coding transcript variant (1), intron variant (1).
Genome position (GRCh38, 1-based): chr21:33,550,207, A>G. VCF-style: chr21-33550207-A-G. GRCh37 (hg19) VCF-style: chr21-34922513-A-G.
Other names: c.976A>G, p.Met326Val (NM_001291411.2, NM_032195.3); c.244+3828A>G (NM_001291412.3); short protein forms M326V.
Identifiers: ClinVar variation 3603564 (VCV003603564.2).

ClinVar aggregate classification (germline): Uncertain significance (1 of 4 stars; one submission).

gnomAD v4.1: 11 of 1,614,124 alleles (0.00068%); highest among the groups gnomAD compares: East Asian, 0.0022%; no homozygotes.

Submission:

Labcorp Genetics (formerly Invitae), Labcorp
Classification: Uncertain significance. Last evaluated: 2024-10-08. Review status: criteria provided, single submitter. Criteria: Invitae Variant Classification Sherloc (09022015). Collection method: clinical testing. Allele origin: germline.
Comment: This sequence change replaces methionine, which is neutral and non-polar, with valine, which is neutral and non-polar, at codon 326 of the SON protein (p.Met326Val). This variant is present in population databases (no rsID available, gnomAD 0.002%). This variant has not been reported in the literature in individuals affected with SON-related conditions. An algorithm developed to predict the effect of missense changes on protein structure and function outputs the following: PolyPhen-2: "Benign". The valine amino acid residue is found in multiple mammalian species, which suggests that this missense change does not adversely affect protein function. In summary, the available evidence is currently insufficient to determine the role of this variant in disease. Therefore, it has been classified as a Variant of Uncertain Significance.